The following is an entry in ClinVar:

ClinVar aggregate classification (germline): Uncertain significance. Review status: criteria provided, multiple submitters, no conflicts (2 of 4 stars). 2 submissions from 2 submitters: Uncertain significance (2). Last evaluated 2025-10-19.

Conditions:
Hereditary cancer-predisposing syndrome. Also called: Neoplastic Syndromes, Hereditary; Hereditary Cancer Syndrome; Tumor predisposition; Hereditary neoplastic syndrome. Identifiers: Orphanet 140162, MedGen C0027672, MeSH D009386, MONDO:0015356.
Familial cancer of breast. Also called: Hereditary breast cancer; hereditary breast carcinoma; BREAST CANCER, FAMILIAL. Identifiers: Orphanet 227535, MedGen C0346153, MONDO:0016419, OMIM 114480. Disease mechanism: loss of function.

Allele frequency attached by ClinVar (database versions not stated): TOPMed below 0.00001.

Submissions (2):

Labcorp Genetics (formerly Invitae), Labcorp
Classification: Uncertain significance for Hereditary cancer-predisposing syndrome. Last evaluated: 2025-10-19. Review status: criteria provided, single submitter. Criteria: Invitae Variant Classification Sherloc (09022015). Collection method: clinical testing. Allele origin: germline.
Comment: This sequence change replaces aspartic acid, which is acidic and polar, with valine, which is neutral and non-polar, at codon 643 of the RAD50 protein (p.Asp643Val). This variant is not present in population databases (gnomAD no frequency). This variant has not been reported in the literature in individuals affected with RAD50-related conditions. ClinVar contains an entry for this variant (Variation ID: 870651). Invitae Evidence Modeling of protein sequence and biophysical properties (such as structural, functional, and spatial information, amino acid conservation, physicochemical variation, residue mobility, and thermodynamic stability) indicates that this missense variant is not expected to disrupt RAD50 protein function with a negative predictive value of 80%. In summary, the available evidence is currently insufficient to determine the role of this variant in disease. Therefore, it has been classified as a Variant of Uncertain Significance.

Liquid Biopsy and Cancer Interception Group, Pfizer-University of Granada-Junta de Andalucía Centre for Genomics and Oncological Research
Classification: Uncertain significance for Familial cancer of breast. Review status: criteria provided, single submitter. Criteria: ACMG Guidelines, 2015. Collection method: clinical testing. Allele origin: germline. Affected: yes. Observed: 1 variant allele.

NM_005732.4(RAD50):c.1928A>T (p.Asp643Val)

Gene: RAD50 (RAD50 double strand break repair protein; plus strand). Cytogenetic location: 5q31.1.
Variant type: single nucleotide variant.
Coding change: c.1928A>T on transcript NM_005732.4 (MANE Select); coding-DNA position 1928, A replaced by T.
Protein change: p.Asp643Val; replaces aspartic acid 643 with valine.
Molecular consequence: missense variant.
Genome position (GRCh38, 1-based): chr5:132,595,003, A>T. VCF-style: chr5-132595003-A-T. GRCh37 (hg19) VCF-style: chr5-131930695-A-T.
Other names: short protein forms D643V.
Identifiers: ClinVar variation 870651 (VCV000870651.5), dbSNP rs1750764737, ClinGen allele CA360948320.